The following continues an entry in ClinVar:

NM_032043.3(BRIP1):c.2392C>T (p.Arg798Ter)

Gene: BRIP1. ClinVar aggregate classification (germline): Pathogenic/Likely pathogenic. Pathogenic (48); Likely pathogenic (2). ClinVar aggregate classification (oncogenicity): Oncogenic.

Submissions 38 to 49 of 58:

Women's Health and Genetics/Laboratory Corporation of America, LabCorp
Classification: Pathogenic for Fanconi anemia complementation group J. Last evaluated: 2021-06-15. Review status: criteria provided, single submitter. Criteria: LabCorp Variant Classification Summary - May 2015. Collection method: clinical testing. Allele origin: germline.
Comment: Variant summary: BRIP1 c.2392C>T (p.Arg798X) results in a premature termination codon, predicted to cause a truncation of the encoded protein or absence of the protein due to nonsense mediated decay, which are commonly known mechanisms for disease. The variant allele was found at a frequency of 0.00018 in 369611 control chromosomes (gnomAD and publication data). This frequency is not higher than expected for a pathogenic variant in BRIP1 causing Fanconi Anemia Complementation Group J (0.0004), allowing no conclusion about variant significance. In addition, this variant has also been reported in 6 / 9884 women who were older than age 70, and cancer free (in the FLOSSIES database). The variant, c.2392C>T, has been reported in the literature in multiple homozygous- or compound heterozygous individuals affected with Fanconi Anemia Complementation Group J (e.g. Levitus_2005, Levran_2005), as well as in heterozygous individuals affected with ovarian cancer, breast cancer, prostate cancer, and other tumor phenotypes (e.g. Seal_2006, Kote-Jarai_2009, Rafnar_2011, Yurgelun_2015, Susswein_2016). Large case-control studies evaluating this variant among breast cancer (BrC) cases and controls in the Breast Cancer Association Consortium (BCAC), reported weak- or no association with familial breast cancer (Easton_2016, Dorling_2021). However, a recent meta-analysis found a moderate risk for ovarian cancer (OR=2.22, 95% CI: 1.20-4.11; p < 0.0001; Suszynska_2020). Publications also reported experimental evidence evaluating an impact on protein function, and demonstrated defective ATP hydrolysis and the loss of helicase activity (e.g. London_2008, Barthelemy_2016). Twenty-one other clinical diagnostic laboratories have submitted clinical-significance assessments for this variant to ClinVar after 2014, and classified the variant as pathogenic (n=19) / likely pathogenic (n=1) or VUS (n=1). Based on the evidence outlined above, the variant could be a moderate risk allele for ovarian cancer, and it was classified as pathogenic in the context of Fanconi Anemia complementation group J.

Baylor Genetics
Classification: Pathogenic for Fanconi anemia complementation group J. Last evaluated: 2020-05-05. Review status: criteria provided, single submitter. Criteria: ACMG Guidelines, 2015. Collection method: clinical testing. Allele origin: unknown. Affected: yes.
Comment: This variant was determined to be pathogenic according to ACMG Guidelines, 2015 [PMID:25741868].

GeneDx
Classification: Pathogenic. Last evaluated: 2020-03-11. Review status: criteria provided, single submitter. Criteria: GeneDx Variant Classification Process June 2021. Collection method: clinical testing. Allele origin: germline. Affected: yes.
Comment: Nonsense variant predicted to result in protein truncation or nonsense mediated decay in a gene for which loss-of-function is a known mechanism of disease; Observed in the heterozygous state in individuals with BRIP1-related and other cancers (Seal 2006, Kote-Jarai 2009, McInerney 2010, Pennington 2014, Ramus 2015, Lhota 2016, Thompson 2016, Tung 2016, Frey 2017); This variant is associated with the following publications: (PMID: 26315354, 16153896, 27869810, 28495237, 26786923, 16116424, 24240112, 26556299, 25070891, 25980754, 25583207, 17033622, 27107905, 18978354, 27179029, 26136524, 19127258, 24556621, 26822949, 26921361, 26720728, 27734215, 16116423, 23613520, 27210295, 26968956, 19763819, 26709662, 26976419, 28558075, 28418444, 26921362, 26681312, 29368626, 22006311, 28125078, 26580448, 28796317, 28709830, 28008555, 28873162, 28152038, 25186627, 29753700, 31124294, 30982232, 30322717, 31159747, 25525159, 34026625, 34426522, 33077847, 32885271, 32338768, 32427313, 33258288, 31742824, 32830346)

GeneKor MSA
Classification: Pathogenic for Hereditary cancer-predisposing syndrome. Last evaluated: 2020-01-01. Review status: criteria provided, single submitter. Criteria: ACMG Guidelines, 2015. Collection method: clinical testing. Allele origin: germline. Affected: yes.
Comment: This variant is a single amino acid change from Arginine to a Termination codon at amino acid residue 798 of the BRIP1 gene. It results in a truncated non-functional protein. This variant has been reported to segregate with disease in families affected with Fanconi anemia (PMID: 16116423, 16116424). It has also been seen in individuals affected with ovarian cancer (PMID: 24240112) and suspected Lynch syndrome (PMID: 25980754), as well as in individuals and families with breast cancer (PMID: 17033622, 19763819, 26822949) and prostate cancer (PMID: 19127258, 24556621). The mutation database ClinVar contains entries for this variant (Variation ID: 4738).

Mendelics
Classification: Pathogenic for Familial cancer of breast. Last evaluated: 2019-05-28. Review status: criteria provided, single submitter. Criteria: Mendelics Assertion Criteria 2017. Collection method: clinical testing. Allele origin: unknown.

Illumina Laboratory Services, Illumina
Classification: Pathogenic for BRIP1-Related Disorders. Last evaluated: 2019-04-05. Review status: criteria provided, single submitter. Criteria: ICSL Variant Classification Criteria 09 May 2019. Collection method: clinical testing. Allele origin: germline.
Comment: The BRIP1 c.2392C>T (p.Arg798Ter) variant, also known as c.2533C>T, is a stop-gained variant predicted to result in premature termination of the protein. The p.Arg798Ter variant has been reported in at least seven studies in which it is found in a total of 27 individuals, including in a homozygous state in 12 individuals with Fanconi anemia (FA), in a compound heterozygous state in five individuals with FA, and in a heterozygous state in six individuals with prostate cancer, in two with ovarian cancer, and in one with endometrioid cancer, and in unknown zygosity in one individual with FA (Levran et al. 2005; Levitus et al. 2005; Kote-Jarai et al. 2009; Leongamornlert et al. 2014; Pennington et al. 2014; Ramus et al. 2015; Ghazwani et al. 2016). The variant is noted to segregate with disease in four families with FA (Levran et al. 2005; Levitus et al. 2005). The p.Arg798Ter variant was identified in a heterozygous state in one of 4090 control alleles and is reported at a frequency of 0.000280 in the European (non-Finnish) population of the Genome Aggregation Database. Based on the collective evidence, the p.Arg798Ter variant is classified as pathogenic for BRIP1-related disorders. This variant was observed by ICSL as part of a predisposition screen in an ostensibly healthy population.

Division of Medical Genetics, University of Washington
Classification: Pathogenic for Familial cancer of breast. Last evaluated: 2019-02-01. Review status: criteria provided, single submitter. Criteria: ACMG Guidelines, 2015. Collection method: clinical testing. Allele origin: germline. Affected: no. Study: CSER_CHARM.
Comment: The c.2392C>T variant results in the introduction of a premature stop codon at residue 798 (p.Arg798X). This variant is predicted to generate an unstable transcript, targeted for degradation by nonsense-mediated mRNA decay. Loss of function variants in BRIP1 are known to be pathogenic. The c.2392C>T variant (also reported in the literature as c.2533C>T) has been reported in individuals affected with ovarian cancer (Pennington 2014) and suspected Lynch syndrome (Yurgelun 2015), as well as in individuals and families with breast cancer (Seal 2006; Lhota 2016). Based on current evidence, the c.2392C>T variant is classified as pathogenic.

Fulgent Genetics
Classification: Pathogenic for Familial cancer of breast; Esophageal atresia/tracheoesophageal fistula; Fanconi anemia complementation group J. Last evaluated: 2017-05-18. Review status: criteria provided, single submitter. Criteria: ACMG Guidelines, 2015. Collection method: clinical testing. Allele origin: unknown.

Genetic Services Laboratory, University of Chicago
Classification: Pathogenic for Breast cancer, early-onset. Last evaluated: 2017-03-13. Review status: criteria provided, single submitter. Criteria: ACMG Guidelines, 2015. Collection method: clinical testing. Allele origin: germline. Affected: yes.

Illumina Laboratory Services, Illumina
Classification: Pathogenic for Fanconi Anemia. Last evaluated: 2016-06-14. Review status: criteria provided, single submitter. Criteria: ICSL Variant Classification 20161018. Collection method: clinical testing. Allele origin: germline.
Comment: The c.2393C>T (p.Arg798Ter) variant is a stop-gained variant, described in three studies in which it is found in 18 Fanconi anemia patients, including 11 in a homozygous state, three in a compound heterozygous state, and in five alleles of unspecified zygosity (Levitus et al. 2005; Levran et al. 2005; Ghazwani et al. 2016). The p.Arg798Ter variant was absent from 50 controls but is reported at a frequency of 0.00024 in the European (Non-Finnish) population of the Exome Aggregation Consortium. Based on the potential impact of stop-gained variants and the evidence from the literature, the p.Arg798Ter variant is classified as pathogenic for Fanconi anemia.

University of Washington Department of Laboratory Medicine, University of Washington
Classification: Pathogenic for Hereditary cancer-predisposing syndrome. Last evaluated: 2015-11-20. Review status: criteria provided, single submitter. Criteria: Shirts et al. (Genet Med 2016). Collection method: clinical testing. Allele origin: germline. Affected: yes and no. Observed: 2 variant alleles.

Juno Genomics, Hangzhou Juno Genomics, Inc
Classification: Pathogenic for Familial cancer of breast; Fanconi anemia complementation group J. Review status: criteria provided, single submitter. Criteria: ACMG Guidelines, 2015. Collection method: clinical testing. Allele origin: germline.
Comment: Absent from controls (or at extremely low frequency if recessive) in Genome Aggregation Database.;Null variant in a gene where loss of function (LOF) is a known mechanism of disease.;The prevalence of the variant in affected individuals is significantly increased compared to the prevalence in controls.;For recessive disorders, detected in trans with a pathogenic variant.;Patient's phenotype or family history is highly specific for a disease with a single genetic etiology.;Co-segregation with disease in multiple affected family members.